The following is an entry in ClinVar:

NM_003073.5(SMARCB1):c.547C>G (p.Pro183Ala)

Gene: SMARCB1 (SWI/SNF related BAF chromatin remodeling complex subunit B1; plus strand). Cytogenetic location: 22q11.23.
Variant type: single nucleotide variant.
Coding change: c.547C>G on transcript NM_003073.5 (MANE Select); coding-DNA position 547, C replaced by G.
Protein change: p.Pro183Ala; replaces proline 183 with alanine.
Molecular consequence: missense variant.
Genome position (GRCh38, 1-based): chr22:23,803,341, C>G. VCF-style: chr22-23803341-C-G. GRCh37 (hg19) VCF-style: chr22-24145528-C-G.
Other names: c.520C>G, p.Pro174Ala (NM_001007468.3); c.574C>G, p.Pro192Ala (NM_001317946.2); c.601C>G, p.Pro201Ala (NM_001362877.2); short protein forms P174A, P183A, P192A, P201A.
Identifiers: ClinVar variation 4843403 (VCV004843403.1).

ClinVar aggregate classification (germline): Uncertain significance (1 of 4 stars; one submission).

Conditions:
Hereditary cancer-predisposing syndrome. Also called: Neoplastic Syndromes, Hereditary; Tumor predisposition; Hereditary Cancer Syndrome; Hereditary neoplastic syndrome. Identifiers: Orphanet 140162, MedGen C0027672, MeSH D009386, MONDO:0015356.

Submission:

Ambry Genetics
Classification: Uncertain significance for Hereditary cancer-predisposing syndrome. Last evaluated: 2025-12-29. Review status: criteria provided, single submitter. Criteria: Ambry Variant Classification Scheme 2023. Collection method: clinical testing. Allele origin: germline.
Comment: The p.P183A variant (also known as c.547C>G), located in coding exon 5 of the SMARCB1 gene, results from a C to G substitution at nucleotide position 547. The proline at codon 183 is replaced by alanine, an amino acid with highly similar properties. This amino acid position is conserved. In addition, this alteration is predicted to be tolerated by in silico analysis. Based on the available evidence, the clinical significance of this variant remains unclear.